The following is an entry in ClinVar:

ClinVar aggregate classification (germline): Benign. Review status: criteria provided, multiple submitters, no conflicts (2 of 4 stars). 5 submissions from 5 submitters: Benign (4). 1 of the submissions does not count toward it. Last evaluated 2024-07-31.

Conditions:
Tuberous sclerosis 2 (TSC2). Identifiers: Orphanet 805, MedGen C1860707, MONDO:0013199, OMIM 613254.

Allele frequency attached by ClinVar (database versions not stated): gnomAD 0.56219 and 0.56900; TOPMed 0.56578; 1000 Genomes Project 30x 0.60197; 1000 Genomes Project 0.61062.
gnomAD v4.1: 957,492 of 1,600,276 alleles (60%); highest among the groups gnomAD compares: East Asian, 78%; 288,711 homozygotes.

Submissions (5):

Unidad de Genómica Garrahan, Hospital de Pediatría Garrahan
Classification: Benign. Last evaluated: 2024-07-31. Review status: criteria provided, single submitter. Criteria: ACMG Guidelines, 2015. Collection method: clinical testing. Allele origin: germline. Affected: no. Observed: 56 variant alleles.
Comment: This variant is classified as Benign based on local population frequency. This variant was detected in 60% of patients studied in a panel designed for Epileptic and Developmental Encephalopathy, Progressive Myoclonus Epilepsy and Abnormal Movements and Neurodegeneration with brain iron accumulation. Number of patients: 56. Only high quality variants are reported.

Genome-Nilou Lab
Classification: Benign for Tuberous sclerosis 2. Last evaluated: 2021-07-14. Review status: criteria provided, single submitter. Criteria: ACMG Guidelines, 2015. Collection method: clinical testing. Allele origin: germline. Affected: no.

GeneDx
Classification: Benign. Last evaluated: 2018-06-18. Review status: criteria provided, single submitter. Criteria: GeneDx Variant Classification (06012015). Collection method: clinical testing. Allele origin: germline. Affected: yes.
Comment: This variant is considered likely benign or benign based on one or more of the following criteria: it is a conservative change, it occurs at a poorly conserved position in the protein, it is predicted to be benign by multiple in silico algorithms, and/or has population frequency not consistent with disease.

Breakthrough Genomics
Classification: Benign. Review status: criteria provided, single submitter. Criteria: ACMG Guidelines, 2015. Collection method: not provided. Allele origin: germline. Inheritance: Autosomal dominant inheritance. Affected: yes.

Tuberous sclerosis database (TSC2)
No classification provided. Review status: no classification provided. Criteria: Tuberous Sclerosis Database Assertion Criteria 2015. Collection method: curation. Allele origin: germline. Affected: yes. Not counted in ClinVar's aggregate classification.

NM_000548.5(TSC2):c.1120-93T>C

Gene: TSC2 (TSC complex subunit 2; plus strand). Cytogenetic location: 16p13.3.
Variant type: single nucleotide variant.
Coding change: c.1120-93T>C on transcript NM_000548.5 (MANE Select); 93 bases into the intron before coding-DNA position 1120, T replaced by C.
Molecular consequence: intron variant.
Genome position (GRCh38, 1-based): chr16:2,061,778, T>C. VCF-style: chr16-2061778-T-C. GRCh37 (hg19) VCF-style: chr16-2111779-T-C.
Other names: c.1120-93T>C (NM_001114382.3, NM_021055.3, NM_001370405.1 and 3 more transcripts); c.1009-93T>C (NM_001318827.2); c.520-93T>C (NM_001318831.2); c.973-93T>C (NM_001318829.2); c.1153-93T>C (NM_001318832.2).
Identifiers: ClinVar variation 49143 (VCV000049143.7), dbSNP rs17135764, ClinGen allele CA013876.